The following is an entry in ClinVar:

ClinVar aggregate classification (germline): Pathogenic (1 of 4 stars; one submission).

Conditions:
Neurofibromatosis, type 1 (NF1). Also called: NEUROFIBROMATOSIS, TYPE I, SOMATIC; VON RECKLINGHAUSEN DISEASE; Peripheral type neurofibromatosis; Neurofibromatosis, type I. Identifiers: Orphanet 636, MedGen C0027831, MONDO:0018975, OMIM 162200. Disease mechanism: loss of function.

Submission:

Labcorp Genetics (formerly Invitae), Labcorp
Classification: Pathogenic for Neurofibromatosis, type 1. Last evaluated: 2025-07-04. Review status: criteria provided, single submitter. Criteria: Invitae Variant Classification Sherloc (09022015). Collection method: clinical testing. Allele origin: germline.
Comment: This sequence change creates a premature translational stop signal (p.Leu1602Profs*15) in the NF1 gene. It is expected to result in an absent or disrupted protein product. Loss-of-function variants in NF1 are known to be pathogenic (PMID: 10712197, 23913538). This variant is not present in population databases (gnomAD no frequency). This variant has not been reported in the literature in individuals affected with NF1-related conditions. For these reasons, this variant has been classified as Pathogenic.

Literature cited by the submitters: PubMed 10712197; PubMed 23913538.

NM_001042492.3(NF1):c.4868_4875del (p.Leu1623fs)

Gene: NF1 (neurofibromin 1; plus strand). Cytogenetic location: 17q11.2.
Variant type: Deletion.
Coding change: c.4868_4875del on transcript NM_001042492.3 (MANE Select); coding-DNA positions 4868 to 4875, 8 bases deleted (TGATATAC; older notation c.4868_4875delTGATATAC).
Protein change: p.Leu1623fs; shifts the reading frame from leucine 1623.
Molecular consequence: frameshift variant.
Genome position (GRCh38, 1-based): chr17:31,325,852-31,325,859, TGATATAC deleted; deleting any 8 consecutive bases within chr17:31,325,851-31,325,859 gives the same sequence; the c. name uses the placement nearest the transcript's 3' end. VCF-style (leftmost placement, unchanged base first): chr17-31325850-GCTGATATA-G. GRCh37 (hg19) VCF-style: chr17-29652868-GCTGATATA-G.
Other names: c.4805_4812del, p.Leu1602fs (NM_000267.4); short protein forms L1623fs, L1602fs.
Identifiers: ClinVar variation 4720060 (VCV004720060.1).
Genomic context (GRCh38, chr17:31,325,850, plus strand): 5'-AATCTTTGTCTTTTTTGTCATTTTCCTTAGGTTCAAAACTGGTCAAATCAATGGTGATTT[GCTGATATA>G]CCATGTCTTACTGACTTTAAAGCCATATTATGCAAAGCCATATGAAATTGTAGTGGACCT-3'